The following is an entry in ClinVar:

ClinVar aggregate classification (germline): Uncertain significance (1 of 4 stars; one submission).

Submission:

Labcorp Genetics (formerly Invitae), Labcorp
Classification: Uncertain significance. Last evaluated: 2022-02-05. Review status: criteria provided, single submitter. Criteria: Invitae Variant Classification Sherloc (09022015). Collection method: clinical testing. Allele origin: germline.
Comment: In summary, the available evidence is currently insufficient to determine the role of this variant in disease. Therefore, it has been classified as a Variant of Uncertain Significance. Algorithms developed to predict the effect of missense changes on protein structure and function output the following: SIFT: "Tolerated"; PolyPhen-2: "Benign"; Align-GVGD: "Class C0". The arginine amino acid residue is found in multiple mammalian species, which suggests that this missense change does not adversely affect protein function. This variant has not been reported in the literature in individuals affected with POLE-related conditions. This variant is not present in population databases (gnomAD no frequency). This sequence change replaces serine, which is neutral and polar, with arginine, which is basic and polar, at codon 184 of the POLE protein (p.Ser184Arg).

NM_006231.4(POLE):c.552C>G (p.Ser184Arg)

Gene: POLE (DNA polymerase epsilon, catalytic subunit; minus strand). Cytogenetic location: 12q24.33.
Variant type: single nucleotide variant.
Coding change: c.552C>G on transcript NM_006231.4 (MANE Select); coding-DNA position 552, C replaced by G.
Protein change: p.Ser184Arg; replaces serine 184 with arginine.
Molecular consequence: missense variant.
Genome position (GRCh38, 1-based): chr12:132,679,523, G>C on the plus strand (C>G on the coding strand, the complement: POLE is on the minus strand). VCF-style: chr12-132679523-G-C. GRCh37 (hg19) VCF-style: chr12-133256109-G-C.
Other names: short protein forms S184R.
Identifiers: ClinVar variation 1349514 (VCV001349514.8), dbSNP rs878854884, ClinGen allele CA387366783.
Genomic context (GRCh38, chr12:132,679,523, plus strand): 5'-CCGCTGATGCTTTGCTCACAAGACCAAAGTTTACCTGGAAAGCAGAGCTGTGTACGCGTC[G>C]CTGGCGTGATCCTGCTCCCTGTTCTTCTTCACGGCAGGGGAGATCTCCTTCCTCACTTTG-3'
Protein context (NP_006222.2, residues 174-194): VKKNREQDHA[Ser184Arg]DAYTALLSSV